The following is an entry in ClinVar:

ClinVar aggregate classification (germline): Uncertain significance (1 of 4 stars; one submission).

Submission:

CeGaT Center for Human Genetics Tuebingen
Classification: Uncertain significance. Last evaluated: 2025-08-01. Review status: criteria provided, single submitter. Criteria: CeGaT Center For Human Genetics Tuebingen Variant Classification Criteria Version 2. Collection method: clinical testing. Allele origin: germline. Affected: yes. Observed: 1 variant allele.
Comment: GBA2: PM2, PP3

NM_020944.3(GBA2):c.2008G>A (p.Gly670Ser)

Gene: GBA2 (glucosylceramidase beta 2; minus strand). Cytogenetic location: 9p13.3.
Variant type: single nucleotide variant.
Coding change: c.2008G>A on transcript NM_020944.3 (MANE Select); coding-DNA position 2008, G replaced by A.
Protein change: p.Gly670Ser; replaces glycine 670 with serine.
Molecular consequence: missense variant.
Genome position (GRCh38, 1-based): chr9:35,738,572, C>T on the plus strand (G>A on the coding strand, the complement: GBA2 is on the minus strand). VCF-style: chr9-35738572-C-T. GRCh37 (hg19) VCF-style: chr9-35738569-C-T.
Other names: c.2008G>A, p.Gly670Ser (NM_001330660.2); short protein forms G670S.
Identifiers: ClinVar variation 4085940 (VCV004085940.8).